The following is an entry in ClinVar:

ClinVar aggregate classification (germline): Uncertain significance. Review status: criteria provided, multiple submitters, no conflicts (2 of 4 stars). 2 submissions from 2 submitters: Uncertain significance (2). Last evaluated 2024-12-10.

Conditions:
Familial hypobetalipoproteinemia 1. Also called: Hypobetalipoproteinemia, normotriglyceridemic; Acanthocytosis with hypobetalipoproteinemia; APOB-Related Familial Hypobetalipoproteinemia. Identifiers: MedGen C4551990, MONDO:0014252, OMIM 615558.
Hypercholesterolemia, autosomal dominant, type B (FHCL2). Also called: Familial Hypercholesterolemia Type B; HYPERCHOLESTEROLEMIA, FAMILIAL, DUE TO LIGAND-DEFECTIVE APOLIPOPROTEIN B; Familial hypercholesterolemia 2; APOB-Related Familial Hypercholesterolemia, Autosomal Dominant; APOLIPOPROTEIN B-100, FAMILIAL DEFECTIVE; APOLIPOPROTEIN B-100, FAMILIAL LIGAND-DEFECTIVE. Identifiers: MedGen C1704417, MONDO:0007751, OMIM 144010.

Allele frequency attached by ClinVar (database versions not stated): gnomAD 0.00001; TOPMed 0.00001.
gnomAD v4.1: 8 of 1,613,810 alleles (0.0005%); highest among the groups gnomAD compares: South Asian, 0.0011%; no homozygotes.

Submissions (2):

Labcorp Genetics (formerly Invitae), Labcorp
Classification: Uncertain significance for Familial hypobetalipoproteinemia 1; Hypercholesterolemia, autosomal dominant, type B. Last evaluated: 2024-12-10. Review status: criteria provided, single submitter. Criteria: Invitae Variant Classification Sherloc (09022015). Collection method: clinical testing. Allele origin: germline.
Comment: This sequence change replaces threonine, which is neutral and polar, with lysine, which is basic and polar, at codon 3156 of the APOB protein (p.Thr3156Lys). This variant is present in population databases (rs747569141, gnomAD 0.002%). This variant has not been reported in the literature in individuals affected with APOB-related conditions. ClinVar contains an entry for this variant (Variation ID: 918612). Invitae Evidence Modeling of protein sequence and biophysical properties (such as structural, functional, and spatial information, amino acid conservation, physicochemical variation, residue mobility, and thermodynamic stability) indicates that this missense variant is not expected to disrupt APOB protein function with a negative predictive value of 95%. In summary, the available evidence is currently insufficient to determine the role of this variant in disease. Therefore, it has been classified as a Variant of Uncertain Significance.

Fulgent Genetics
Classification: Uncertain significance for Hypercholesterolemia, autosomal dominant, type B; Familial hypobetalipoproteinemia 1. Last evaluated: 2021-11-16. Review status: criteria provided, single submitter. Criteria: ACMG Guidelines, 2015. Collection method: clinical testing. Allele origin: unknown.

NM_000384.3(APOB):c.9467C>A (p.Thr3156Lys)

Gene: APOB (apolipoprotein B; minus strand). Cytogenetic location: 2p24.1.
Variant type: single nucleotide variant.
Coding change: c.9467C>A on transcript NM_000384.3 (MANE Select); coding-DNA position 9467, C replaced by A.
Protein change: p.Thr3156Lys; replaces threonine 3156 with lysine.
Molecular consequence: missense variant.
Genome position (GRCh38, 1-based): chr2:21,007,401, G>T on the plus strand (C>A on the coding strand, the complement: APOB is on the minus strand). VCF-style: chr2-21007401-G-T. GRCh37 (hg19) VCF-style: chr2-21230273-G-T.
Other names: short protein forms T3156K.
Identifiers: ClinVar variation 918612 (VCV000918612.5), dbSNP rs747569141, ClinGen allele CA066560.
Genomic context (GRCh38, chr2:21,007,401, plus strand): 5'-TGAGCTTTTACACTTAAATCAAATGATTGCTTTGTCGTTTTCAAGAATTCCTTCAAGCCT[G>T]TTTTTTCCCATAGAGAGAAATCTTTCAGTGGAGGAGTTGTGATTATTGTGTAAGGTAGAC-3'
Protein context (NP_000375.3, residues 3146-3166): PLKDFSLWEK[Thr3156Lys]GLKEFLKTTK